The following is an entry in ClinVar:

ClinVar aggregate classification (germline): Uncertain significance (0 of 4 stars; one submission).

Conditions:
SEMA3E-related disorder. Also called: SEMA3E-related condition.

gnomAD v4.1: 4 of 1,613,928 alleles (0.00025%); highest among the groups gnomAD compares: Non-Finnish European, 0.00034%; no homozygotes.

Submission:

PreventionGenetics, part of Exact Sciences
Classification: Uncertain significance for SEMA3E-related condition. Last evaluated: 2024-05-10. Review status: no assertion criteria provided. Collection method: clinical testing. Allele origin: germline.
Comment: The SEMA3E c.1933C>A variant is predicted to result in the amino acid substitution p.His645Asn. To our knowledge, this variant has not been reported in the literature or in a large population database, indicating this variant is rare. At this time, the clinical significance of this variant is uncertain due to the absence of conclusive functional and genetic evidence.

NM_012431.3(SEMA3E):c.1933C>A (p.His645Asn)

Gene: SEMA3E (semaphorin 3E; minus strand). Cytogenetic location: 7q21.11.
Variant type: single nucleotide variant.
Coding change: c.1933C>A on transcript NM_012431.3 (MANE Select); coding-DNA position 1933, C replaced by A.
Protein change: p.His645Asn; replaces histidine 645 with asparagine.
Molecular consequence: missense variant.
Genome position (GRCh38, 1-based): chr7:83,367,981, G>T on the plus strand (C>A on the coding strand, the complement: SEMA3E is on the minus strand). VCF-style: chr7-83367981-G-T. GRCh37 (hg19) VCF-style: chr7-82997297-G-T.
Other names: c.1753C>A, p.His585Asn (NM_001178129.2); short protein forms H585N, H645N.
Identifiers: ClinVar variation 3346549 (VCV003346549.1).
Genomic context (GRCh38, chr7:83,367,981, plus strand): 5'-CCGTATGGACAAAGCTATGCTCTACTGTCTGGCAAAAATAGGTCCCAGCATCTGATTTGT[G>T]TAACCTTAGGAAGAGTAAACCAAGGTCCATCTTAACCACTCTGTCATCTGTCTTCACCTG-3'
Protein context (NP_036563.1, residues 635-655): MDLGLLFLRL[His645Asn]KSDAGTYFCQ